The following is an entry in ClinVar:

ClinVar aggregate classification (germline): Uncertain significance (1 of 4 stars; one submission).

Conditions:
Atrial fibrillation, familial, 6 (ATFB6). Identifiers: MedGen C2677294, MONDO:0012816, OMIM 612201.

Submission:

Labcorp Genetics (formerly Invitae), Labcorp
Classification: Uncertain significance for Atrial fibrillation, familial, 6. Last evaluated: 2021-05-09. Review status: criteria provided, single submitter. Criteria: Invitae Variant Classification Sherloc (09022015). Collection method: clinical testing. Allele origin: germline.
Comment: This sequence change replaces serine with arginine at codon 75 of the NPPA protein (p.Ser75Arg). The serine residue is highly conserved and there is a moderate physicochemical difference between serine and arginine. This variant is not present in population databases (ExAC no frequency). This variant has not been reported in the literature in individuals with NPPA-related conditions. Algorithms developed to predict the effect of missense changes on protein structure and function (SIFT, PolyPhen-2, Align-GVGD) all suggest that this variant is likely to be disruptive, but these predictions have not been confirmed by published functional studies and their clinical significance is uncertain. In summary, the available evidence is currently insufficient to determine the role of this variant in disease. Therefore, it has been classified as a Variant of Uncertain Significance.

NM_006172.4(NPPA):c.225C>A (p.Ser75Arg)

Genes: NPPA (natriuretic peptide A; minus strand), NPPA-AS1 (NPPA antisense RNA 1; plus strand), LOC114827827 (VISTA enhancer hs2123; plus strand). Cytogenetic location: 1p36.22.
Variant type: single nucleotide variant.
Coding change: c.225C>A on transcript NM_006172.4 (MANE Select); coding-DNA position 225, C replaced by A.
Protein change: p.Ser75Arg; replaces serine 75 with arginine.
Molecular consequence: missense variant.
Genome position (GRCh38, 1-based): chr1:11,847,338, G>T on the plus strand (C>A on the coding strand, the complement: NPPA is on the minus strand). VCF-style: chr1-11847338-G-T. GRCh37 (hg19) VCF-style: chr1-11907395-G-T.
Other names: short protein forms S75R.
Identifiers: ClinVar variation 1426806 (VCV001426806.8), dbSNP rs1645076017, ClinGen allele CA338451001.